The following is an entry in ClinVar:

NM_000152.5(GAA):c.1347_1350del (p.Gly450fs)

Gene: GAA (alpha glucosidase; plus strand). Cytogenetic location: 17q25.3.
Variant type: Deletion.
Coding change: c.1347_1350del on transcript NM_000152.5 (MANE Select); coding-DNA positions 1347 to 1350, 4 bases deleted (GGGC; older notation c.1347_1350delGGGC).
Protein change: p.Gly450fs; shifts the reading frame from glycine 450.
Molecular consequence: frameshift variant.
Genome position (GRCh38, 1-based): chr17:80,109,965-80,109,968, GGGC deleted; deleting any 4 consecutive bases within chr17:80,109,964-80,109,968 gives the same sequence; the c. name uses the placement nearest the transcript's 3' end. VCF-style (leftmost placement, unchanged base first): chr17-80109963-TCGGG-T. GRCh37 (hg19) VCF-style: chr17-78083762-TCGGG-T.
Other names: c.1347_1350delGGGC, p.Gly450Leufs (NM_000152.3); c.1347_1350del, p.Gly450fs (NM_001079803.3, NM_001079804.3, NM_001406741.1 and 1 more transcripts); c.1347_1350del (NM_000152.4); short protein forms G450fs.
Identifiers: ClinVar variation 2577614 (VCV002577614.4), dbSNP rs2510369910, ClinGen allele CA2580617475.

ClinVar aggregate classification (germline): Pathogenic/Likely pathogenic. Review status: criteria provided, multiple submitters, no conflicts (2 of 4 stars). 3 submissions from 3 submitters: Pathogenic (1); Likely pathogenic (2). Last evaluated 2024-11-25.

Conditions:
Glycogen storage disease, type II (IOPD). Also called: GLYCOGENOSIS, GENERALIZED, CARDIAC FORM; GSD II; Glycogen storage disease type 2; Acid maltase deficiency disease; Aglucosidase alfa; Deficiency of alpha-glucosidase. Identifiers: Orphanet 365, MedGen C0017921, MONDO:0009290, OMIM 232300.

Submissions (3):

Labcorp Genetics (formerly Invitae), Labcorp
Classification: Pathogenic for Glycogen storage disease, type II. Last evaluated: 2024-11-25. Review status: criteria provided, single submitter. Criteria: Invitae Variant Classification Sherloc (09022015). Collection method: clinical testing. Allele origin: germline.
Comment: This sequence change creates a premature translational stop signal (p.Gly450Leufs*26) in the GAA gene. It is expected to result in an absent or disrupted protein product. Loss-of-function variants in GAA are known to be pathogenic (PMID: 18425781, 22252923). This variant is not present in population databases (gnomAD no frequency). This variant has not been reported in the literature in individuals affected with GAA-related conditions. ClinVar contains an entry for this variant (Variation ID: 2577614). For these reasons, this variant has been classified as Pathogenic.

Natera, Inc.
Classification: Likely pathogenic for Glycogen storage disease type II. Last evaluated: 2024-07-10. Review status: criteria provided, single submitter. Criteria: Natera Variant Classification Schema (03/2026). Collection method: clinical testing. Allele origin: germline.
Comment: The c.1347_1350del variant in GAA is a frameshift variant predicted to shift the reading frame beginning at codon 450 and leads to a stop codon 26 codons downstream. This variant is expected to result in nonsense mediated decay, truncation, or a dysfunctional protein product. This variant is rare in the general population with a frequency below the threshold expected for the associated phenotype(s). Given the available evidence, this variant is classified as Likely Pathogenic.

GeneDx
Classification: Likely pathogenic. Last evaluated: 2023-02-22. Review status: criteria provided, single submitter. Criteria: GeneDx Variant Classification Process June 2021. Collection method: clinical testing. Allele origin: germline. Affected: yes.
Comment: Observed with a pathogenic variant in an infant with Pompe disease, though it is unknown if the variants were present on the same allele (in cis) or on opposite alleles (in trans) (Wojcik et al., 2019); Frameshift variant predicted to result in protein truncation or nonsense mediated decay in a gene for which loss of function is a known mechanism of disease; Not observed at significant frequency in large population cohorts (gnomAD); This variant is associated with the following publications: (PMID: 31395954)

Literature cited by the submitters: PubMed 18425781 (cited by Labcorp Genetics (formerly Invitae), Labcorp); PubMed 22252923 (cited by Labcorp Genetics (formerly Invitae), Labcorp).